The following is an entry in ClinVar:

ClinVar aggregate classification (germline): Likely benign. Review status: criteria provided, multiple submitters, no conflicts (2 of 4 stars). 2 submissions from 2 submitters: Likely benign (2). Last evaluated 2025-03-24.

Allele frequency attached by ClinVar (database versions not stated): gnomAD exomes 0.00005; ExAC 0.00006; gnomAD 0.00012; TOPMed 0.00012; ESP Exome Variant Server 0.00017; 1000 Genomes Project 30x 0.00031.
gnomAD v4.1: 101 of 1,614,054 alleles (0.0063%); highest among the groups gnomAD compares: Middle Eastern, 0.099%; 1 homozygote.

Submissions (2):

Labcorp Genetics (formerly Invitae), Labcorp
Classification: Likely benign. Last evaluated: 2025-03-24. Review status: criteria provided, single submitter. Criteria: Invitae Variant Classification Sherloc (09022015). Collection method: clinical testing. Allele origin: germline.

CeGaT Center for Human Genetics Tuebingen
Classification: Likely benign. Last evaluated: 2024-10-01. Review status: criteria provided, single submitter. Criteria: CeGaT Center For Human Genetics Tuebingen Variant Classification Criteria Version 2. Collection method: clinical testing. Allele origin: germline. Affected: yes. Observed: 3 variant alleles.
Comment: MYO5A: BP4, BP7

NM_001382347.1(MYO5A):c.5574A>G (p.Pro1858=)

Gene: MYO5A (myosin VA; minus strand). Cytogenetic location: 15q21.2.
Variant type: single nucleotide variant.
Coding change: c.5574A>G on transcript NM_001382347.1 (MANE Select); coding-DNA position 5574, A replaced by G.
Protein change: p.Pro1858=; no amino-acid change (proline 1858 retained).
Molecular consequence: synonymous variant.
Genome position (GRCh38, 1-based): chr15:52,313,765, T>C on the plus strand (A>G on the coding strand, the complement: MYO5A is on the minus strand). VCF-style: chr15-52313765-T-C. GRCh37 (hg19) VCF-style: chr15-52605962-T-C.
Other names: c.5499A>G, p.Pro1833= (NM_000259.3); c.5418A>G, p.Pro1806= (NM_001142495.2); c.5646A>G, p.Pro1882= (NM_001382348.1); c.5571A>G, p.Pro1857= (NM_001382349.1); c.5490A>G, p.Pro1830= (NM_001411135.1).
Identifiers: ClinVar variation 2645356 (VCV002645356.25), dbSNP rs372406787, ClinGen allele CA7567833.